The following is an entry in ClinVar:

NM_020937.4(FANCM):c.5474A>G (p.His1825Arg)

Gene: FANCM (FA complementation group M; plus strand). Cytogenetic location: 14q21.2.
Variant type: single nucleotide variant.
Coding change: c.5474A>G on transcript NM_020937.4 (MANE Select); coding-DNA position 5474, A replaced by G.
Protein change: p.His1825Arg; replaces histidine 1825 with arginine.
Molecular consequence: missense variant.
Genome position (GRCh38, 1-based): chr14:45,196,305, A>G. VCF-style: chr14-45196305-A-G. GRCh37 (hg19) VCF-style: chr14-45665508-A-G.
Other names: c.5396A>G, p.His1799Arg (NM_001308133.2); short protein forms H1825R, H1799R.
Identifiers: ClinVar variation 1401405 (VCV001401405.7), dbSNP rs751719012, ClinGen allele CA7170009.

ClinVar aggregate classification (germline): Uncertain significance (1 of 4 stars; one submission).

Conditions:
Fanconi anemia (FA). Also called: Fanconi's anemia. Identifiers: Orphanet 84, MedGen C0015625, MeSH D005199, MONDO:0019391.

Allele frequency attached by ClinVar (database versions not stated): gnomAD 0.00001; gnomAD exomes 0.00001 and 0.00005; ExAC 0.00002.
gnomAD v4.1: 76 of 1,614,066 alleles (0.0047%); highest among the groups gnomAD compares: Non-Finnish European, 0.0057%; no homozygotes.

Submission:

Labcorp Genetics (formerly Invitae), Labcorp
Classification: Uncertain significance for Fanconi anemia. Last evaluated: 2025-07-10. Review status: criteria provided, single submitter. Criteria: Invitae Variant Classification Sherloc (09022015). Collection method: clinical testing. Allele origin: germline.
Comment: This sequence change replaces histidine, which is basic and polar, with arginine, which is basic and polar, at codon 1825 of the FANCM protein (p.His1825Arg). This variant is present in population databases (rs751719012, gnomAD 0.003%). This variant has not been reported in the literature in individuals affected with FANCM-related conditions. ClinVar contains an entry for this variant (Variation ID: 1401405). An algorithm developed to predict the effect of missense changes on protein structure and function outputs the following: PolyPhen-2: "Benign". The arginine amino acid residue is found in multiple mammalian species, which suggests that this missense change does not adversely affect protein function. In summary, the available evidence is currently insufficient to determine the role of this variant in disease. Therefore, it has been classified as a Variant of Uncertain Significance.